The following is an entry in ClinVar:

NM_000051.4(ATM):c.5674+3A>G

Gene: ATM (ATM serine/threonine kinase; plus strand). Cytogenetic location: 11q22.3.
Variant type: single nucleotide variant.
Coding change: c.5674+3A>G on transcript NM_000051.4 (MANE Select); 3 bases into the intron after coding-DNA position 5674, A replaced by G.
Molecular consequence: intron variant.
Genome position (GRCh38, 1-based): chr11:108,304,855, A>G. VCF-style: chr11-108304855-A-G. GRCh37 (hg19) VCF-style: chr11-108175582-A-G.
Other names: c.5674+3A>G (NM_001351834.2).
Identifiers: ClinVar variation 3965696 (VCV003965696.1).
Genomic context (GRCh38, chr11:108,304,855, plus strand): 5'-TGTCTTCGACACTTCTCGCAAACGAGCCGATCCACAACCCCTGCAAACTTGGATTCAGGT[A>G]TTCTATTAAATTTTTAACATTAATACTGTAAACTCAGTTCTAGAGAAAGATGGATTTAAG-3'

ClinVar aggregate classification (germline): Uncertain significance (1 of 4 stars; one submission).

Conditions:
Hereditary cancer-predisposing syndrome. Also called: Tumor predisposition; Hereditary neoplastic syndrome; Hereditary Cancer Syndrome; Neoplastic Syndromes, Hereditary. Identifiers: Orphanet 140162, MedGen C0027672, MeSH D009386, MONDO:0015356.

Submission:

Ambry Genetics
Classification: Uncertain significance for Hereditary cancer-predisposing syndrome. Last evaluated: 2025-03-27. Review status: criteria provided, single submitter. Criteria: Ambry Variant Classification Scheme 2023. Collection method: clinical testing. Allele origin: germline.
Comment: The c.5674+3A>G intronic variant results from an A to G substitution 3 nucleotides after coding exon 36 in the ATM gene. This nucleotide position is highly conserved in available vertebrate species. In silico splice site analysis for this alteration is inconclusive. Based on the available evidence, the clinical significance of this variant remains unclear.